The following is an entry in ClinVar:

NM_005450.6(NOG):c.275G>A (p.Gly92Glu)

Gene: NOG (noggin; plus strand). Cytogenetic location: 17q22.
Variant type: single nucleotide variant.
Coding change: c.275G>A on transcript NM_005450.6 (MANE Select); coding-DNA position 275, G replaced by A.
Protein change: p.Gly92Glu; replaces glycine 92 with glutamic acid.
Molecular consequence: missense variant.
Genome position (GRCh38, 1-based): chr17:56,594,498, G>A. VCF-style: chr17-56594498-G-A. GRCh37 (hg19) VCF-style: chr17-54671859-G-A.
Other names: short protein forms G92E.
Identifiers: ClinVar variation 377073 (VCV000377073.43), dbSNP rs199566527, ClinGen allele CA8663174.
Genomic context (GRCh38, chr17:56,594,498, plus strand): 5'-GCCACTACGACCCAGGCTTCATGGCCACCTCGCCCCCCGAGGACCGGCCCGGCGGGGGCG[G>A]GGGTGCAGCTGGGGGCGCGGAGGACCTGGCGGAGCTGGACCAGCTGCTGCGGCAGCGGCC-3'
Protein context (NP_005441.1, residues 82-102): SPPEDRPGGG[Gly92Glu]GAAGGAEDLA

ClinVar aggregate classification (germline): Conflicting classifications of pathogenicity. Review status: criteria provided, conflicting classifications (1 of 4 stars). 8 submissions from 8 submitters: Uncertain significance (1); Likely benign (4). 3 of the submissions do not count toward it. Last evaluated 2026-07-01.

Conditions:
NOG-related disorder. Also called: NOG-related disorders; NOG-related condition.

Allele frequency attached by ClinVar (database versions not stated): 1000 Genomes Project 30x 0.00078; 1000 Genomes Project 0.00080; gnomAD exomes 0.00165 and 0.00220; gnomAD 0.00172 and 0.00175; ExAC 0.00190; TOPMed 0.00193; ESP Exome Variant Server 0.00225.
gnomAD v4.1: 3,446 of 1,609,394 alleles (0.21%); highest among the groups gnomAD compares: Non-Finnish European, 0.26%; 5 homozygotes.

Submissions (8):

CeGaT Center for Human Genetics Tuebingen
Classification: Likely benign. Last evaluated: 2026-07-01. Review status: criteria provided, single submitter. Criteria: CeGaT Center For Human Genetics Tuebingen Variant Classification Criteria Version 2. Collection method: clinical testing. Allele origin: germline. Affected: yes. Observed: 4 variant alleles.
Comment: NOG: PM5, BS1

Labcorp Genetics (formerly Invitae), Labcorp
Classification: Likely benign. Last evaluated: 2026-02-01. Review status: criteria provided, single submitter. Criteria: Invitae Variant Classification Sherloc (09022015). Collection method: clinical testing. Allele origin: germline.

Blueprint Genetics
Classification: Likely benign. Last evaluated: 2024-11-21. Review status: criteria provided, single submitter. Criteria: ACMG Guidelines, 2015. Collection method: clinical testing. Allele origin: germline.

Center for Pediatric Genomic Medicine, Children's Mercy Hospital and Clinics
Classification: Likely benign. Last evaluated: 2017-02-15. Review status: criteria provided, single submitter. Criteria: ACMG Guidelines, 2015. Collection method: clinical testing. Allele origin: germline.
ClinVar note: Converted during submission from Likely Benign to Likely benign.

Laboratory for Molecular Medicine, Mass General Brigham Personalized Medicine
Classification: Uncertain significance. Last evaluated: 2016-03-29. Review status: criteria provided, single submitter. Criteria: LMM Criteria. Collection method: clinical testing. Allele origin: germline.
Comment: Variant identified in a genome or exome case(s) and assessed due to predicted null impact of the variant or pathogenic assertions in the literature or databases. Disclaimer: This variant has not undergone full assessment. The following are preliminary notes: Variant was identified as de novo in one individual with fibrodysplasia ossificans progressiva (Semonin 2001). 0.3% frequency too high for AD disease with high penetrance.

PreventionGenetics, part of Exact Sciences
Classification: Likely benign for NOG-related condition. Last evaluated: 2019-10-25. Review status: no assertion criteria provided. Collection method: clinical testing. Allele origin: germline. Not counted in ClinVar's aggregate classification.
Comment: This variant is classified as likely benign based on ACMG/AMP sequence variant interpretation guidelines (Richards et al. 2015 PMID: 25741868, with internal and published modifications).

Clinical Genetics DNA and cytogenetics Diagnostics Lab, Erasmus MC, Erasmus Medical Center
Classification: Likely benign. Review status: no assertion criteria provided. Collection method: clinical testing. Allele origin: germline. Affected: yes. Study: VKGL Data-share Consensus. Not counted in ClinVar's aggregate classification.

Laboratory of Diagnostic Genome Analysis, Leiden University Medical Center (LUMC)
Classification: Likely benign. Review status: no assertion criteria provided. Collection method: clinical testing. Allele origin: germline. Affected: yes. Study: VKGL Data-share Consensus. Not counted in ClinVar's aggregate classification.